The following is an entry in ClinVar:

NM_004360.5(CDH1):c.2519C>G (p.Ser840Cys)

Gene: CDH1 (cadherin 1; plus strand). Cytogenetic location: 16q22.1.
Variant type: single nucleotide variant.
Coding change: c.2519C>G on transcript NM_004360.5 (MANE Select); coding-DNA position 2519, C replaced by G.
Protein change: p.Ser840Cys; replaces serine 840 with cysteine.
Molecular consequence: missense variant.
Genome position (GRCh38, 1-based): chr16:68,833,369, C>G. VCF-style: chr16-68833369-C-G. GRCh37 (hg19) VCF-style: chr16-68867272-C-G.
Other names: c.2336C>G, p.Ser779Cys (NM_001317184.2); c.971C>G, p.Ser324Cys (NM_001317185.2); c.554C>G, p.Ser185Cys (NM_001317186.2); short protein forms S324C, S779C, S840C, S185C.
Identifiers: ClinVar variation 1792494 (VCV001792494.2), dbSNP rs587781300, ClinGen allele CA396472286.

ClinVar aggregate classification (germline): Uncertain significance (1 of 4 stars; one submission).

Conditions:
Hereditary cancer-predisposing syndrome. Also called: Hereditary Cancer Syndrome; Hereditary neoplastic syndrome; Tumor predisposition; Neoplastic Syndromes, Hereditary. Identifiers: Orphanet 140162, MedGen C0027672, MeSH D009386, MONDO:0015356.

Submission:

Ambry Genetics
Classification: Uncertain significance for Hereditary cancer-predisposing syndrome. Last evaluated: 2017-04-13. Review status: criteria provided, single submitter. Criteria: Ambry Variant Classification Scheme 2023. Collection method: clinical testing. Allele origin: germline.
Comment: The p.S840C variant (also known as c.2519C>G), located in coding exon 16 of the CDH1 gene, results from a C to G substitution at nucleotide position 2519. The serine at codon 840 is replaced by cysteine, an amino acid with dissimilar properties. This amino acid position is highly conserved in available vertebrate species. In addition, this alteration is predicted to be deleterious by in silico analysis. Since supporting evidence is limited at this time, the clinical significance of this alteration remains unclear.